The following is an entry in ClinVar:

NM_001035.3(RYR2):c.309+5G>T

Gene: RYR2 (ryanodine receptor 2; plus strand). Cytogenetic location: 1q43.
Variant type: single nucleotide variant.
Coding change: c.309+5G>T on transcript NM_001035.3 (MANE Select); 5 bases into the intron after coding-DNA position 309, G replaced by T.
Molecular consequence: intron variant.
Genome position (GRCh38, 1-based): chr1:237,364,377, G>T. VCF-style: chr1-237364377-G-T. GRCh37 (hg19) VCF-style: chr1-237527677-G-T.
Other names: c.309+5G>T (LRG_402t1).
Identifiers: ClinVar variation 201149 (VCV000201149.7), dbSNP rs794728695, ClinGen allele CA009078.

ClinVar aggregate classification (germline): Conflicting classifications of pathogenicity. Review status: criteria provided, conflicting classifications (1 of 4 stars). 4 submissions from 4 submitters: Uncertain significance (3); Likely benign (1). Last evaluated 2025-07-01.

Conditions:
Cardiovascular phenotype. Identifiers: MedGen CN230736.
Catecholaminergic polymorphic ventricular tachycardia 1. Also called: RYR2-Related Catecholaminergic Polymorphic Ventricular Tachycardia; VENTRICULAR TACHYCARDIA, CATECHOLAMINERGIC POLYMORPHIC, 1, WITH OR WITHOUT ATRIAL DYSFUNCTION AND/OR DILATED CARDIOMYOPATHY; VENTRICULAR TACHYCARDIA, STRESS-INDUCED POLYMORPHIC 1. Identifiers: Orphanet 3286, MedGen C1631597, MONDO:0011484, OMIM 604772.
Cardiomyopathy (CMYO). Also called: Cardiomyopathies. Identifiers: Orphanet 167848, MedGen C0878544, MONDO:0004994, HP:0001638. Inheritance: Various modes of inheritance.

Allele frequency attached by ClinVar (database versions not stated): gnomAD exomes below 0.00001; TOPMed below 0.00001.
gnomAD v4.1: 1 of 1,535,038 alleles (0.000065%); highest among the groups gnomAD compares: Non-Finnish European, 0.000089%; no homozygotes.

Submissions (4):

Color Diagnostics, LLC DBA Color Health
Classification: Uncertain significance for Cardiomyopathy. Last evaluated: 2025-07-01. Review status: criteria provided, single submitter. Criteria: ACMG Guidelines, 2015. Collection method: clinical testing. Allele origin: germline.
Comment: This variant causes a G to T nucleotide substitution at the +5 position of intron 5 of the RYR2 gene. To our knowledge, functional studies have not been reported for this variant. This variant has not been reported in individuals affected with RYR2-related disorders in the literature. This variant has not been identified in the general population by the Genome Aggregation Database (gnomAD). The available evidence is insufficient to determine the role of this variant in disease conclusively. Therefore, this variant is classified as a Variant of Uncertain Significance.

Labcorp Genetics (formerly Invitae), Labcorp
Classification: Uncertain significance for Catecholaminergic polymorphic ventricular tachycardia 1. Last evaluated: 2024-08-07. Review status: criteria provided, single submitter. Criteria: Invitae Variant Classification Sherloc (09022015). Collection method: clinical testing. Allele origin: germline.
Comment: This sequence change falls in intron 5 of the RYR2 gene. It does not directly change the encoded amino acid sequence of the RYR2 protein. It affects a nucleotide within the consensus splice site. This variant is not present in population databases (gnomAD no frequency). This variant has not been reported in the literature in individuals affected with RYR2-related conditions. ClinVar contains an entry for this variant (Variation ID: 201149). Variants that disrupt the consensus splice site are a relatively common cause of aberrant splicing (PMID: 17576681, 9536098). Algorithms developed to predict the effect of sequence changes on RNA splicing suggest that this variant may disrupt the consensus splice site. In summary, the available evidence is currently insufficient to determine the role of this variant in disease. Therefore, it has been classified as a Variant of Uncertain Significance.

Ambry Genetics
Classification: Uncertain significance for Cardiovascular phenotype. Last evaluated: 2020-01-30. Review status: criteria provided, single submitter. Criteria: Ambry Variant Classification Scheme 2023. Collection method: clinical testing. Allele origin: germline.
Comment: The c.309+5G>T intronic variant results from a G to T substitution 5 nucleotides after coding exon 5 in the RYR2 gene. This nucleotide position is highly conserved in available vertebrate species. Using two different splice site prediction tools, this alteration is predicted by ESEfinder to weaken the efficiency of the native splice donor site, but is not predicted to have a deleterious effect on this splice donor site by BDGP; however, direct evidence is unavailable. Since supporting evidence is limited at this time, the clinical significance of this alteration remains unclear.

GeneDx
Classification: Likely benign. Last evaluated: 2014-10-09. Review status: criteria provided, single submitter. Criteria: GeneDx Variant Classification (06012015). Collection method: clinical testing. Allele origin: germline. Affected: yes.
Comment: This variant is considered likely benign or benign based on one or more of the following criteria: it is a conservative change, it occurs at a poorly conserved position in the protein, it is predicted to be benign by multiple in silico algorithms, and/or has population frequency not consistent with disease.

Literature cited by the submitters: PubMed 17576681 (cited by Labcorp Genetics (formerly Invitae), Labcorp); PubMed 9536098 (cited by Labcorp Genetics (formerly Invitae), Labcorp).